The following is an entry in ClinVar:

ClinVar aggregate classification (germline): Uncertain significance (1 of 4 stars; one submission).

Submission:

Women's Health and Genetics/Laboratory Corporation of America, LabCorp
Classification: Uncertain significance. Last evaluated: 2025-04-11. Review status: criteria provided, single submitter. Criteria: LabCorp Variant Classification Summary - May 2015. Collection method: clinical testing. Allele origin: germline.
Comment: Variant summary: NOTCH3 c.5563G>A (p.Ala1855Thr) results in a non-conservative amino acid change in the encoded protein sequence. Four of five in-silico tools predict a damaging effect of the variant on protein function. The variant was absent in 251096 control chromosomes. The available data on variant occurrences in the general population are insufficient to allow any conclusion about variant significance. To our knowledge, no occurrence of c.5563G>A in individuals affected with Cerebral arteriopathy, autosomal dominant, with subcortical infarcts and leukoencephalopathy, type 1 and no experimental evidence demonstrating its impact on protein function have been reported. No submitters have cited clinical-significance assessments for this variant to ClinVar. Based on the evidence outlined above, the variant was classified as uncertain significance.

NM_000435.3(NOTCH3):c.5563G>A (p.Ala1855Thr)

Gene: NOTCH3 (notch receptor 3; minus strand). Cytogenetic location: 19p13.12.
Variant type: single nucleotide variant.
Coding change: c.5563G>A on transcript NM_000435.3 (MANE Select); coding-DNA position 5563, G replaced by A.
Protein change: p.Ala1855Thr; replaces alanine 1855 with threonine.
Molecular consequence: missense variant.
Genome position (GRCh38, 1-based): chr19:15,165,891, C>T on the plus strand (G>A on the coding strand, the complement: NOTCH3 is on the minus strand). VCF-style: chr19-15165891-C-T. GRCh37 (hg19) VCF-style: chr19-15276702-C-T.
Other names: short protein forms A1855T.
Identifiers: ClinVar variation 3896332 (VCV003896332.2).